The following is an entry in ClinVar:

NM_006514.4(SCN10A):c.618A>G (p.Ile206Met)

Gene: SCN10A (sodium voltage-gated channel alpha subunit 10; minus strand). Cytogenetic location: 3p22.2.
Variant type: single nucleotide variant.
Coding change: c.618A>G on transcript NM_006514.4 (MANE Select); coding-DNA position 618, A replaced by G.
Protein change: p.Ile206Met; replaces isoleucine 206 with methionine.
Molecular consequence: missense variant.
Genome position (GRCh38, 1-based): chr3:38,763,578, T>C on the plus strand (A>G on the coding strand, the complement: SCN10A is on the minus strand). VCF-style: chr3-38763578-T-C. GRCh37 (hg19) VCF-style: chr3-38805069-T-C.
Other names: p.Ile206Met; c.618A>G, p.Ile206Met (NM_001293306.2, NM_001293307.2); short protein forms I206M.
Identifiers: ClinVar variation 381545 (VCV000381545.18), dbSNP rs74717885, ClinGen allele CA2321130.

ClinVar aggregate classification (germline): Benign/Likely benign. Review status: criteria provided, multiple submitters, no conflicts (2 of 4 stars). 8 submissions from 8 submitters: Benign (5); Likely benign (1). 2 of the submissions do not count toward it. Last evaluated 2026-02-04.

Conditions:
Brugada syndrome. Also called: Sudden unexpected nocturnal death syndrome; Sudden Unexplained Death Syndrome; Sudden Unexplained Nocturnal Death Syndrome (SUNDS); Sudden unexplained nocturnal death syndrome. Identifiers: Orphanet 130, MedGen C1142166, MONDO:0015263.
Cardiovascular phenotype. Identifiers: MedGen CN230736.

Allele frequency attached by ClinVar (database versions not stated): ESP Exome Variant Server 0.01161; gnomAD 0.01345 and 0.01606; TOPMed 0.01589; gnomAD exomes 0.01909 and 0.02552; ExAC 0.02558; 1000 Genomes Project 30x 0.03826; 1000 Genomes Project 0.04193.
gnomAD v4.1: 30,520 of 1,613,802 alleles (1.9%); highest among the groups gnomAD compares: East Asian, 13%; 716 homozygotes.

Submissions (8):

Labcorp Genetics (formerly Invitae), Labcorp
Classification: Benign for Brugada syndrome. Last evaluated: 2026-02-04. Review status: criteria provided, single submitter. Criteria: Invitae Variant Classification Sherloc (09022015). Collection method: clinical testing. Allele origin: germline.

Women's Health and Genetics/Laboratory Corporation of America, LabCorp
Classification: Likely benign. Last evaluated: 2023-07-29. Review status: criteria provided, single submitter. Criteria: LabCorp Variant Classification Summary - May 2015. Collection method: clinical testing. Allele origin: germline.

Mayo Clinic Laboratories, Mayo Clinic
Classification: Benign. Last evaluated: 2020-05-14. Review status: criteria provided, single submitter. Criteria: ACMG Guidelines, 2015. Collection method: clinical testing. Allele origin: germline. Observed: 33 variant alleles.

Ambry Genetics
Classification: Benign for Cardiovascular phenotype. Last evaluated: 2019-03-04. Review status: criteria provided, single submitter. Criteria: Ambry Variant Classification Scheme 2023. Collection method: clinical testing. Allele origin: germline.

GeneDx
Classification: Benign. Last evaluated: 2016-10-04. Review status: criteria provided, single submitter. Criteria: GeneDx Variant Classification (06012015). Collection method: clinical testing. Allele origin: germline. Affected: yes.
Comment: This variant is considered likely benign or benign based on one or more of the following criteria: it is a conservative change, it occurs at a poorly conserved position in the protein, it is predicted to be benign by multiple in silico algorithms, and/or has population frequency not consistent with disease.

Breakthrough Genomics
Classification: Benign. Review status: criteria provided, single submitter. Criteria: ACMG Guidelines, 2015. Collection method: not provided. Allele origin: germline. Inheritance: Autosomal dominant inheritance. Affected: yes.

Clinical Genetics, Academic Medical Center
Classification: Benign. Review status: no assertion criteria provided. Collection method: clinical testing. Allele origin: germline. Affected: yes. Study: VKGL Data-share Consensus. Not counted in ClinVar's aggregate classification.

Joint Genome Diagnostic Labs from Nijmegen and Maastricht, Radboudumc and MUMC+
Classification: Benign. Review status: no assertion criteria provided. Collection method: clinical testing. Allele origin: germline. Affected: yes. Study: VKGL Data-share Consensus. Not counted in ClinVar's aggregate classification.

Literature cited by the submitters: PubMed 27711072 (cited by Ambry Genetics); PubMed 27884173 (cited by Ambry Genetics).